The following is an entry in ClinVar:

NM_000540.3(RYR1):c.6662A>G (p.Lys2221Arg)

Gene: RYR1 (ryanodine receptor 1; plus strand). Cytogenetic location: 19q13.2.
Variant type: single nucleotide variant.
Coding change: c.6662A>G on transcript NM_000540.3 (MANE Select); coding-DNA position 6662, A replaced by G.
Protein change: p.Lys2221Arg; replaces lysine 2221 with arginine.
Molecular consequence: missense variant.
Genome position (GRCh38, 1-based): chr19:38,496,328, A>G. VCF-style: chr19-38496328-A-G. GRCh37 (hg19) VCF-style: chr19-38986968-A-G.
Other names: c.6662A>G, p.Lys2221Arg (NM_001042723.2); short protein forms K2221R.
Identifiers: ClinVar variation 1443621 (VCV001443621.8), dbSNP rs1293529148, ClinGen allele CA405666140.

ClinVar aggregate classification (germline): Uncertain significance (1 of 4 stars; one submission).

Conditions:
RYR1-related disorder. Also called: RYR1-related condition; RYR1-related disorders. Identifiers: MedGen CN239331.

Allele frequency attached by ClinVar (database versions not stated): gnomAD exomes below 0.00001; gnomAD 0.00001; TOPMed 0.00001.
gnomAD v4.1: 5 of 1,613,782 alleles (0.00031%); highest among the groups gnomAD compares: Non-Finnish European, 0.00034%; no homozygotes.

Submission:

Labcorp Genetics (formerly Invitae), Labcorp
Classification: Uncertain significance for RYR1-related disorder. Last evaluated: 2025-05-09. Review status: criteria provided, single submitter. Criteria: Invitae Variant Classification Sherloc (09022015). Collection method: clinical testing. Allele origin: germline.
Comment: This sequence change replaces lysine, which is basic and polar, with arginine, which is basic and polar, at codon 2221 of the RYR1 protein (p.Lys2221Arg). This variant is present in population databases (no rsID available, gnomAD 0.0009%). This variant has not been reported in the literature in individuals affected with RYR1-related conditions. ClinVar contains an entry for this variant (Variation ID: 1443621). An algorithm developed to predict the effect of missense changes on protein structure and function (PolyPhen-2) suggests that this variant is likely to be tolerated. In summary, the available evidence is currently insufficient to determine the role of this variant in disease. Therefore, it has been classified as a Variant of Uncertain Significance.